The following is an entry in ClinVar:

ClinVar aggregate classification (germline): Benign (1 of 4 stars; one submission).

Allele frequency attached by ClinVar (database versions not stated): 1000 Genomes Project 0.15315; 1000 Genomes Project 30x 0.16037; gnomAD 0.16079 and 0.16784; TOPMed 0.17239.

Submission:

GeneDx
Classification: Benign. Last evaluated: 2018-06-14. Review status: criteria provided, single submitter. Criteria: GeneDx Variant Classification (06012015). Collection method: clinical testing. Allele origin: germline. Affected: yes.
Comment: This variant is considered likely benign or benign based on one or more of the following criteria: it is a conservative change, it occurs at a poorly conserved position in the protein, it is predicted to be benign by multiple in silico algorithms, and/or has population frequency not consistent with disease.

NM_000138.5(FBN1):c.1148-271A>G

Gene: FBN1 (fibrillin 1; minus strand). Cytogenetic location: 15q21.1.
Variant type: single nucleotide variant.
Coding change: c.1148-271A>G on transcript NM_000138.5 (MANE Select); 271 bases into the intron before coding-DNA position 1148, A replaced by G.
Molecular consequence: intron variant.
Genome position (GRCh38, 1-based): chr15:48,516,633, T>C on the plus strand (A>G on the coding strand, the complement: FBN1 is on the minus strand). VCF-style: chr15-48516633-T-C. GRCh37 (hg19) VCF-style: chr15-48808830-T-C.
Identifiers: ClinVar variation 680951 (VCV000680951.1), dbSNP rs57829342, ClinGen allele CA16505534.